The following is an entry in ClinVar:

ClinVar aggregate classification (germline): Uncertain significance. Review status: criteria provided, multiple submitters, no conflicts (2 of 4 stars). 3 submissions from 3 submitters: Uncertain significance (3). Last evaluated 2026-04-16.

Allele frequency attached by ClinVar (database versions not stated): gnomAD exomes below 0.00001.
gnomAD v4.1: 4 of 1,614,100 alleles (0.00025%); highest among the groups gnomAD compares: Non-Finnish European, 0.00034%; no homozygotes.

Submissions (3):

Women's Health and Genetics/Laboratory Corporation of America, LabCorp
Classification: Uncertain significance. Last evaluated: 2026-04-16. Review status: criteria provided, single submitter. Criteria: LabCorp Variant Classification Summary - May 2015. Collection method: clinical testing. Allele origin: germline.
Comment: Variant summary: USH2A c.12419G>C (p.Cys4140Ser) results in a non-conservative amino acid change in the encoded protein sequence. Algorithms developed to predict the effect of missense changes on protein structure and function are either unavailable or do not agree on the potential impact of this missense change. The variant allele was found at a frequency of 4e-06 in 250364 control chromosomes. The available data on variant occurrences in the general population are insufficient to allow any conclusion about variant significance. c.12419G>C has been observed in at least one compound heterozygous individual affected with Usher Syndrome. These data do not allow any conclusion about variant significance. To our knowledge, no experimental evidence demonstrating an impact on protein function has been reported. The following publication has been ascertained in the context of this evaluation (PMID: 39676705). ClinVar contains an entry for this variant (Variation ID: 2966933). Based on the evidence outlined above, the variant was classified as uncertain significance.

Blueprint Genetics
Classification: Uncertain significance. Last evaluated: 2024-05-03. Review status: criteria provided, single submitter. Criteria: ACMG Guidelines, 2015. Collection method: clinical testing. Allele origin: germline.

Labcorp Genetics (formerly Invitae), Labcorp
Classification: Uncertain significance. Last evaluated: 2023-08-04. Review status: criteria provided, single submitter. Criteria: Invitae Variant Classification Sherloc (09022015). Collection method: clinical testing. Allele origin: germline.
Comment: This variant disrupts the p.Cys4140 amino acid residue in USH2A. Other variant(s) that disrupt this residue have been observed in individuals with USH2A-related conditions (PMID: 28127548, 32531858), which suggests that this may be a clinically significant amino acid residue. In summary, the available evidence is currently insufficient to determine the role of this variant in disease. Therefore, it has been classified as a Variant of Uncertain Significance. Advanced modeling of protein sequence and biophysical properties (such as structural, functional, and spatial information, amino acid conservation, physicochemical variation, residue mobility, and thermodynamic stability) has been performed at Invitae for this missense variant, however the output from this modeling did not meet the statistical confidence thresholds required to predict the impact of this variant on USH2A protein function. This variant has not been reported in the literature in individuals affected with USH2A-related conditions. This variant is present in population databases (no rsID available, gnomAD 0.0009%). This sequence change replaces cysteine, which is neutral and slightly polar, with serine, which is neutral and polar, at codon 4140 of the USH2A protein (p.Cys4140Ser).

Literature cited by the submitters: PubMed 39676705 (cited by Women's Health and Genetics/Laboratory Corporation of America, LabCorp); PubMed 28127548 (cited by Labcorp Genetics (formerly Invitae), Labcorp); PubMed 32531858 (cited by Labcorp Genetics (formerly Invitae), Labcorp).

NM_206933.4(USH2A):c.12419G>C (p.Cys4140Ser)

Gene: USH2A (usherin; minus strand). Cytogenetic location: 1q41.
Variant type: single nucleotide variant.
Coding change: c.12419G>C on transcript NM_206933.4 (MANE Select); coding-DNA position 12419, G replaced by C.
Protein change: p.Cys4140Ser; replaces cysteine 4140 with serine.
Molecular consequence: missense variant.
Genome position (GRCh38, 1-based): chr1:215,675,492, C>G on the plus strand (G>C on the coding strand, the complement: USH2A is on the minus strand). VCF-style: chr1-215675492-C-G. GRCh37 (hg19) VCF-style: chr1-215848834-C-G.
Other names: short protein forms C4140S.
Identifiers: ClinVar variation 2966933 (VCV002966933.5), dbSNP rs1064797131, ClinGen allele CA344850966.